The following is an entry in ClinVar:

ClinVar aggregate classification (germline): Uncertain significance (1 of 4 stars; one submission).

Conditions:
Hereditary cancer-predisposing syndrome. Also called: Neoplastic Syndromes, Hereditary; Tumor predisposition; Hereditary neoplastic syndrome; Hereditary Cancer Syndrome. Identifiers: Orphanet 140162, MedGen C0027672, MeSH D009386, MONDO:0015356.

Submission:

Ambry Genetics
Classification: Uncertain significance for Hereditary cancer-predisposing syndrome. Last evaluated: 2024-04-14. Review status: criteria provided, single submitter. Criteria: Ambry Variant Classification Scheme 2023. Collection method: clinical testing. Allele origin: germline.
Comment: The p.D212Y variant (also known as c.634G>T), located in coding exon 6 of the SDHA gene, results from a G to T substitution at nucleotide position 634. The aspartic acid at codon 212 is replaced by tyrosine, an amino acid with highly dissimilar properties. This amino acid position is conserved. In addition, this alteration is predicted to be deleterious by in silico analysis. Based on the available evidence, the clinical significance of this variant remains unclear.

NM_004168.4(SDHA):c.634G>T (p.Asp212Tyr)

Gene: SDHA (succinate dehydrogenase complex flavoprotein subunit A; plus strand). Cytogenetic location: 5p15.33.
Variant type: single nucleotide variant.
Coding change: c.634G>T on transcript NM_004168.4 (MANE Select); coding-DNA position 634, G replaced by T.
Protein change: p.Asp212Tyr; replaces aspartic acid 212 with tyrosine.
Molecular consequence: missense variant.
Genome position (GRCh38, 1-based): chr5:228,197, G>T. VCF-style: chr5-228197-G-T. GRCh37 (hg19) VCF-style: chr5-228312-G-T.
Other names: c.490G>T, p.Asp164Tyr (NM_001294332.2); c.634G>T, p.Asp212Tyr (NM_001330758.2); short protein forms D164Y, D212Y.
Identifiers: ClinVar variation 3316834 (VCV003316834.1).